The following is an entry in ClinVar:

NM_001267550.2(TTN):c.40573C>A (p.Pro13525Thr)

Gene: TTN (titin; minus strand). Cytogenetic location: 2q31.2.
Variant type: single nucleotide variant.
Coding change: c.40573C>A on transcript NM_001267550.2 (MANE Select); coding-DNA position 40573, C replaced by A.
Protein change: p.Pro13525Thr; replaces proline 13525 with threonine.
Molecular consequence: missense variant.
Genome position (GRCh38, 1-based): chr2:178,641,301, G>T on the plus strand (C>A on the coding strand, the complement: TTN is on the minus strand). VCF-style: chr2-178641301-G-T. GRCh37 (hg19) VCF-style: chr2-179506028-G-T.
Other names: c.35650C>A, p.Pro11884Thr (NM_001256850.1); c.13378C>A, p.Pro4460Thr (NM_003319.4); c.32869C>A, p.Pro10957Thr (NM_133378.4); c.13753C>A, p.Pro4585Thr (NM_133432.3); c.13954C>A, p.Pro4652Thr (NM_133437.4); short protein forms P10957T, P11884T, P13525T, P4460T, P4585T, P4652T.
Identifiers: ClinVar variation 3363811 (VCV003363811.1).

ClinVar aggregate classification (germline): Uncertain significance (1 of 4 stars; one submission).

gnomAD v4.1: 4 of 1,495,882 alleles (0.00027%); highest among the groups gnomAD compares: African/African-American, 0.0014%; no homozygotes.

Submission:

GeneDx
Classification: Uncertain significance. Last evaluated: 2024-04-19. Review status: criteria provided, single submitter. Criteria: GeneDx Variant Classification Process June 2021. Collection method: clinical testing. Allele origin: germline. Affected: yes.
Comment: Not observed at significant frequency in large population cohorts (gnomAD); Missense variant in a gene in which most reported pathogenic variants are truncating/loss of function; Has not been previously published as pathogenic or benign to our knowledge